The following is an entry in ClinVar:

NM_030665.4(RAI1):c.1951G>A (p.Asp651Asn)

Gene: RAI1 (retinoic acid induced 1; plus strand). Cytogenetic location: 17p11.2.
Variant type: single nucleotide variant.
Coding change: c.1951G>A on transcript NM_030665.4 (MANE Select); coding-DNA position 1951, G replaced by A.
Protein change: p.Asp651Asn; replaces aspartic acid 651 with asparagine.
Molecular consequence: missense variant.
Genome position (GRCh38, 1-based): chr17:17,794,899, G>A. VCF-style: chr17-17794899-G-A. GRCh37 (hg19) VCF-style: chr17-17698213-G-A.
Other names: short protein forms D651N.
Identifiers: ClinVar variation 2480260 (VCV002480260.2), dbSNP rs2508578814, ClinGen allele CA398549550.

ClinVar aggregate classification (germline): Uncertain significance (1 of 4 stars; one submission).

Conditions:
Inborn genetic diseases. Identifiers: MedGen C0950123, MeSH D030342.

Submission:

Ambry Genetics
Classification: Uncertain significance for Inborn genetic diseases. Last evaluated: 2023-03-10. Review status: criteria provided, single submitter. Criteria: Ambry Variant Classification Scheme 2023. Collection method: clinical testing. Allele origin: germline.
Comment: The c.1951G>A (p.D651N) alteration is located in exon 3 (coding exon 1) of the RAI1 gene. This alteration results from a G to A substitution at nucleotide position 1951, causing the aspartic acid (D) at amino acid position 651 to be replaced by an asparagine (N). This variant was not reported in population-based cohorts in the Genome Aggregation Database (gnomAD). This amino acid position is highly conserved in available vertebrate species. This alteration is predicted to be tolerated by in silico analysis. Based on insufficient or conflicting evidence, the clinical significance of this alteration remains unclear.